The following is an entry in ClinVar:

NM_007194.4(CHEK2):c.299A>T (p.Gln100Leu)

Gene: CHEK2 (checkpoint kinase 2; minus strand). Cytogenetic location: 22q12.1.
Variant type: single nucleotide variant.
Coding change: c.299A>T on transcript NM_007194.4 (MANE Select); coding-DNA position 299, A replaced by T.
Protein change: p.Gln100Leu; replaces glutamine 100 with leucine.
Molecular consequence: missense variant.
Genome position (GRCh38, 1-based): chr22:28,734,423, T>A on the plus strand (A>T on the coding strand, the complement: CHEK2 is on the minus strand). VCF-style: chr22-28734423-T-A. GRCh37 (hg19) VCF-style: chr22-29130411-T-A.
Other names: c.299A>T, p.Gln100Leu (NM_001005735.3, NM_001349956.3, NM_145862.3); c.-479A>T (NM_001257387.3); short protein forms Q100L.
Identifiers: ClinVar variation 2807610 (VCV002807610.3), dbSNP rs1601851194, ClinGen allele CA411090279.
Genomic context (GRCh38, chr22:28,734,423, plus strand): 5'-TTCTGAACAAAACGTGATACTATACAACAAAGGGTCTTACCAAGATTGGCAAATCCATCC[T>A]GAAGGGCCCATAATCGAGCCCAGGGGGCAGGGGTAGGCTCCTCAGGTTCTTGGTCCTCAG-3'
Protein context (NP_009125.1, residues 90-110): PAPWARLWAL[Gln100Leu]DGFANLECVN

ClinVar aggregate classification (germline): Uncertain significance (1 of 4 stars; one submission).

Conditions:
Familial cancer of breast. Also called: hereditary breast carcinoma; Hereditary breast cancer; BREAST CANCER, FAMILIAL. Identifiers: Orphanet 227535, MedGen C0346153, MONDO:0016419, OMIM 114480. Disease mechanism: loss of function.

Submission:

Labcorp Genetics (formerly Invitae), Labcorp
Classification: Uncertain significance for Familial cancer of breast. Last evaluated: 2022-10-05. Review status: criteria provided, single submitter. Criteria: Invitae Variant Classification Sherloc (09022015). Collection method: clinical testing. Allele origin: germline.
Comment: Algorithms developed to predict the effect of missense changes on protein structure and function (SIFT, PolyPhen-2, Align-GVGD) all suggest that this variant is likely to be tolerated. In summary, the available evidence is currently insufficient to determine the role of this variant in disease. Therefore, it has been classified as a Variant of Uncertain Significance. This sequence change replaces glutamine, which is neutral and polar, with leucine, which is neutral and non-polar, at codon 100 of the CHEK2 protein (p.Gln100Leu). This variant has not been reported in the literature in individuals affected with CHEK2-related conditions. This variant is not present in population databases (gnomAD no frequency).